The following is an entry in ClinVar:

ClinVar aggregate classification (germline): Uncertain significance (1 of 4 stars; one submission).

Conditions:
Ehlers-Danlos syndrome, dermatosparaxis type. Also called: Dermatosparaxis; Ehlers-Danlos syndrome, type VII, autosomal recessive; EDS VIIC. Identifiers: Orphanet 1901, MedGen C2700425, MONDO:0009161, OMIM 225410.

Allele frequency attached by ClinVar (database versions not stated): TOPMed below 0.00001; gnomAD 0.00001.
gnomAD v4.1: 1 of 1,613,372 alleles (0.000062%); highest among the groups gnomAD compares: Non-Finnish European, 0.000085%; no homozygotes.

Submission:

Labcorp Genetics (formerly Invitae), Labcorp
Classification: Uncertain significance for Ehlers-Danlos syndrome, dermatosparaxis type. Last evaluated: 2023-10-25. Review status: criteria provided, single submitter. Criteria: Invitae Variant Classification Sherloc (09022015). Collection method: clinical testing. Allele origin: germline.
Comment: This sequence change replaces serine, which is neutral and polar, with phenylalanine, which is neutral and non-polar, at codon 401 of the ADAMTS2 protein (p.Ser401Phe). This variant is not present in population databases (gnomAD no frequency). This variant has not been reported in the literature in individuals affected with ADAMTS2-related conditions. An algorithm developed to predict the effect of missense changes on protein structure and function (PolyPhen-2) suggests that this variant is likely to be disruptive. In summary, the available evidence is currently insufficient to determine the role of this variant in disease. Therefore, it has been classified as a Variant of Uncertain Significance.

NM_014244.5(ADAMTS2):c.1202C>T (p.Ser401Phe)

Gene: ADAMTS2 (ADAM metallopeptidase with thrombospondin type 1 motif 2; minus strand). Cytogenetic location: 5q35.3.
Variant type: single nucleotide variant.
Coding change: c.1202C>T on transcript NM_014244.5 (MANE Select); coding-DNA position 1202, C replaced by T.
Protein change: p.Ser401Phe; replaces serine 401 with phenylalanine.
Molecular consequence: missense variant.
Genome position (GRCh38, 1-based): chr5:179,154,850, G>A on the plus strand (C>T on the coding strand, the complement: ADAMTS2 is on the minus strand). VCF-style: chr5-179154850-G-A. GRCh37 (hg19) VCF-style: chr5-178581851-G-A.
Other names: c.1202C>T, p.Ser401Phe (NM_021599.4); short protein forms S401F.
Identifiers: ClinVar variation 2707710 (VCV002707710.3), dbSNP rs1196643484, ClinGen allele CA362434903.